The following is an entry in ClinVar:

NM_001287.6(CLCN7):c.1319C>T (p.Pro440Leu)

Gene: CLCN7 (chloride voltage-gated channel 7; minus strand). Cytogenetic location: 16p13.3.
Variant type: single nucleotide variant.
Coding change: c.1319C>T on transcript NM_001287.6 (MANE Select); coding-DNA position 1319, C replaced by T.
Protein change: p.Pro440Leu; replaces proline 440 with leucine.
Molecular consequence: missense variant.
Genome position (GRCh38, 1-based): chr16:1,452,789, G>A on the plus strand (C>T on the coding strand, the complement: CLCN7 is on the minus strand). VCF-style: chr16-1452789-G-A. GRCh37 (hg19) VCF-style: chr16-1502790-G-A.
Other names: c.1247C>T, p.Pro416Leu (NM_001114331.3); short protein forms P440L, P416L.
Identifiers: ClinVar variation 2740094 (VCV002740094.3), dbSNP rs2505824646, ClinGen allele CA394189099.
Genomic context (GRCh38, chr16:1,452,789, plus strand): 5'-GACCCCGCCCGGGCCCAGCCTCCCACCTGCAGCGGGTAGGACATGGAGCCCCCCTGCAGG[G>A]GCTGGCAATCCCGCGACGAGTAGATCAGCACGAAGGCAACTGTGGCCGTGACGGCGGCCA-3'
Protein context (NP_001278.1, residues 430-450): VLIYSSRDCQ[Pro440Leu]LQGGSMSYPL

ClinVar aggregate classification (germline): Uncertain significance (1 of 4 stars; one submission).

gnomAD v4.1: 1 of 1,605,870 alleles (0.000062%); highest among the groups gnomAD compares: Non-Finnish European, 0.000085%; no homozygotes.

Submission:

Labcorp Genetics (formerly Invitae), Labcorp
Classification: Uncertain significance. Last evaluated: 2023-07-09. Review status: criteria provided, single submitter. Criteria: Invitae Variant Classification Sherloc (09022015). Collection method: clinical testing. Allele origin: germline.
Comment: In summary, the available evidence is currently insufficient to determine the role of this variant in disease. Therefore, it has been classified as a Variant of Uncertain Significance. An algorithm developed to predict the effect of missense changes on protein structure and function (PolyPhen-2) suggests that this variant is likely to be disruptive. This variant has not been reported in the literature in individuals affected with CLCN7-related conditions. This variant is not present in population databases (gnomAD no frequency). This sequence change replaces proline, which is neutral and non-polar, with leucine, which is neutral and non-polar, at codon 440 of the CLCN7 protein (p.Pro440Leu).